The following is an entry in ClinVar:

NM_004525.3(LRP2):c.428-4A>G

Gene: LRP2 (LDL receptor related protein 2; minus strand). Cytogenetic location: 2q31.1.
Variant type: single nucleotide variant.
Coding change: c.428-4A>G on transcript NM_004525.3 (MANE Select); 4 bases into the intron before coding-DNA position 428, A replaced by G.
Molecular consequence: intron variant.
Genome position (GRCh38, 1-based): chr2:169,294,714, T>C on the plus strand (A>G on the coding strand, the complement: LRP2 is on the minus strand). VCF-style: chr2-169294714-T-C. GRCh37 (hg19) VCF-style: chr2-170151224-T-C.
Identifiers: ClinVar variation 1029856 (VCV001029856.9), dbSNP rs763525338, ClinGen allele CA1955864.
Genomic context (GRCh38, chr2:169,294,714, plus strand): 5'-GACTGGTGTTATAGCAGGCCCCATTGTCACAAGTAAGCTGCTCACATGTTGGGTACTCTA[T>C]TGTAAAAAAAAAAAAAAAAAAAAAAAGGAAAAGGAAACAGTAAACAAACCTTAAATTTCC-3'

ClinVar aggregate classification (germline): Conflicting classifications of pathogenicity. Review status: criteria provided, conflicting classifications (1 of 4 stars). 2 submissions from 2 submitters: Uncertain significance (1); Likely benign (1). Last evaluated 2025-12-26.

Conditions:
Donnai-Barrow syndrome. Also called: FACIOOCULOACOUSTICORENAL SYNDROME; DBS/FOAR SYNDROME. Identifiers: Orphanet 2143, MedGen C1857277, MONDO:0009104, OMIM 222448.

Allele frequency attached by ClinVar (database versions not stated): gnomAD 0.00002 and 0.00003; gnomAD exomes 0.00017; ExAC 0.00026.
gnomAD v4.1: 24 of 1,125,240 alleles (0.0021%); highest among the groups gnomAD compares: Admixed American, 0.062%; no homozygotes.

Submissions (2):

Labcorp Genetics (formerly Invitae), Labcorp
Classification: Likely benign. Last evaluated: 2025-12-26. Review status: criteria provided, single submitter. Criteria: Invitae Variant Classification Sherloc (09022015). Collection method: clinical testing. Allele origin: germline.

Baylor Genetics
Classification: Uncertain significance for Donnai-Barrow syndrome. Last evaluated: 2019-09-25. Review status: criteria provided, single submitter. Criteria: ACMG Guidelines, 2015. Collection method: clinical testing. Allele origin: unknown. Affected: yes.
Comment: This variant was determined to be of uncertain significance according to ACMG Guidelines, 2015 [PMID:25741868].